The following is an entry in ClinVar:

ClinVar aggregate classification (germline): Uncertain significance (1 of 4 stars; one submission).

Conditions:
Epidermolysis bullosa simplex with nail dystrophy (EBS5D). Identifiers: MedGen C4225309, MONDO:0014661, OMIM 616487.
Epidermolysis bullosa simplex, Ogna type (EBS5A). Also called: Pidermolysis bullosa simplex 5A, Ogna type; EPIDERMOLYSIS BULLOSA SIMPLEX 5A, OGNA TYPE. Identifiers: Orphanet 79401, MedGen C0432317, MONDO:0007555, OMIM 131950.
Epidermolysis bullosa simplex 5B, with muscular dystrophy (EBS5B). Also called: Epidermolysis bullosa simplex with muscular dystrophy; EPIDERMOLYSIS BULLOSA SIMPLEX AND LIMB-GIRDLE MUSCULAR DYSTROPHY. Identifiers: Orphanet 257, MedGen C2931072, MONDO:0009181, OMIM 226670.
Autosomal recessive limb-girdle muscular dystrophy type 2Q (LGMDR17). Also called: MUSCULAR DYSTROPHY, LIMB-GIRDLE, AUTOSOMAL RECESSIVE 17. Identifiers: Orphanet 254361, MedGen C3150989, MONDO:0013390, OMIM 613723.
Epidermolysis bullosa simplex 5C, with pyloric atresia (EBS5C). Also called: PLEC-Related Epidermolysis Bullosa with Pyloric Atresia; Epidermolysis bullosa simplex with pyloric atresia; PLEC1-Related Epidermolysis Bullosa with Pyloric Atresia. Identifiers: Orphanet 158684, MedGen C2677349, MONDO:0012807, OMIM 612138.

gnomAD v4.1: 5 of 1,606,146 alleles (0.00031%); highest among the groups gnomAD compares: East Asian, 0.011%; no homozygotes.

Submission:

Labcorp Genetics (formerly Invitae), Labcorp
Classification: Uncertain significance for Autosomal recessive limb-girdle muscular dystrophy type 2Q; Epidermolysis bullosa simplex, Ogna type; Epidermolysis bullosa simplex with nail dystrophy; Epidermolysis bullosa simplex 5C, with pyloric atresia; Epidermolysis bullosa simplex 5B, with muscular dystrophy. Last evaluated: 2025-02-13. Review status: criteria provided, single submitter. Criteria: Invitae Variant Classification Sherloc (09022015). Collection method: clinical testing. Allele origin: germline.
Comment: This sequence change replaces arginine, which is basic and polar, with leucine, which is neutral and non-polar, at codon 4271 of the PLEC protein (p.Arg4271Leu). This variant is not present in population databases (gnomAD no frequency). This variant has not been reported in the literature in individuals affected with PLEC-related conditions. Invitae Evidence Modeling of protein sequence and biophysical properties (such as structural, functional, and spatial information, amino acid conservation, physicochemical variation, residue mobility, and thermodynamic stability) indicates that this missense variant is expected to disrupt PLEC protein function with a positive predictive value of 80%. In summary, the available evidence is currently insufficient to determine the role of this variant in disease. Therefore, it has been classified as a Variant of Uncertain Significance.

NM_201384.3(PLEC):c.12731G>T (p.Arg4244Leu)

Gene: PLEC (plectin; minus strand). Cytogenetic location: 8q24.3.
Variant type: single nucleotide variant.
Coding change: c.12731G>T on transcript NM_201384.3 (MANE Select); coding-DNA position 12731, G replaced by T.
Protein change: p.Arg4244Leu; replaces arginine 4244 with leucine.
Molecular consequence: missense variant.
Genome position (GRCh38, 1-based): chr8:143,917,090, C>A on the plus strand (G>T on the coding strand, the complement: PLEC is on the minus strand). VCF-style: chr8-143917090-C-A. GRCh37 (hg19) VCF-style: chr8-144991258-C-A.
Other names: c.12665G>T, p.Arg4222Leu (NM_201379.3); c.13142G>T, p.Arg4381Leu (NM_201380.4); c.12635G>T, p.Arg4212Leu (NM_201381.3); c.12731G>T, p.Arg4244Leu (NM_201382.4); c.12743G>T, p.Arg4248Leu (NM_201383.3); c.12812G>T, p.Arg4271Leu (NM_000445.5); c.9431G>T, p.Arg3144Leu (NM_001410941.1); c.12689G>T, p.Arg4230Leu (NM_201378.4); short protein forms R4248L, R4230L, R4381L, R4212L, R4222L, R3144L, R4244L, R4271L.
Identifiers: ClinVar variation 4782642 (VCV004782642.1).